The following is an entry in ClinVar:

NM_017849.4(TMEM127):c.140C>A (p.Ala47Asp)

Gene: TMEM127 (transmembrane protein 127; minus strand). Cytogenetic location: 2q11.2.
Variant type: single nucleotide variant.
Coding change: c.140C>A on transcript NM_017849.4 (MANE Select); coding-DNA position 140, C replaced by A.
Protein change: p.Ala47Asp; replaces alanine 47 with aspartic acid.
Molecular consequence: missense variant.
Genome position (GRCh38, 1-based): chr2:96,265,242, G>T on the plus strand (C>A on the coding strand, the complement: TMEM127 is on the minus strand). VCF-style: chr2-96265242-G-T. GRCh37 (hg19) VCF-style: chr2-96930980-G-T.
Other names: c.140C>A, p.Ala47Asp (NM_001193304.3); short protein forms A47D.
Identifiers: ClinVar variation 863062 (VCV000863062.14), dbSNP rs1022275292, ClinGen allele CA347656037.

ClinVar aggregate classification (germline): Uncertain significance. Review status: criteria provided, multiple submitters, no conflicts (2 of 4 stars). 3 submissions from 3 submitters: Uncertain significance (3). Last evaluated 2025-06-20.

Conditions:
Hereditary pheochromocytoma and paraganglioma. Also called: Hereditary pheochromocytoma-paraganglioma; Hereditary paragangliomas and pheochromocytomas; Hereditary Paraganglioma-Pheochromocytoma Syndromes. Identifiers: Orphanet 29072, MedGen C4274332, MONDO:0017366.
Pheochromocytoma. Also called: MAX-Related Hereditary Paraganglioma-Pheochromocytoma Syndrome. Identifiers: Orphanet 29072, MedGen C0031511, MONDO:0008233, OMIM 171300, HP:0002666.
Hereditary cancer-predisposing syndrome. Also called: Hereditary Cancer Syndrome; Tumor predisposition; Neoplastic Syndromes, Hereditary; Hereditary neoplastic syndrome. Identifiers: Orphanet 140162, MedGen C0027672, MeSH D009386, MONDO:0015356.

Submissions (3):

Ambry Genetics
Classification: Uncertain significance for Hereditary cancer-predisposing syndrome. Last evaluated: 2025-06-20. Review status: criteria provided, single submitter. Criteria: Ambry Variant Classification Scheme 2023. Collection method: clinical testing. Allele origin: germline.
Comment: The p.A47D variant (also known as c.140C>A), located in coding exon 1 of the TMEM127 gene, results from a C to A substitution at nucleotide position 140. The alanine at codon 47 is replaced by aspartic acid, an amino acid with dissimilar properties. This variant was reported in individual(s) with features consistent with TMEM127-related hereditary pheochromocytoma-paraganglioma (Burnichon N et al. Eur J Endocrinol, 2011 Jan;164:141-5; Abermil N et al. J Clin Endocrinol Metab, 2012 May;97:E805-9; Buffet A et al. Horm Metab Res, 2012 May;44:359-66). This amino acid position is highly conserved in available vertebrate species. In addition, this alteration is predicted to be deleterious by in silico analysis. Based on the available evidence, the clinical significance of this variant remains unclear.

Genomic Medicine Center of Excellence, King Faisal Specialist Hospital and Research Centre
Classification: Uncertain significance for Pheochromocytoma. Last evaluated: 2024-09-22. Review status: criteria provided, single submitter. Criteria: ACMG Guidelines, 2015. Collection method: clinical testing. Allele origin: germline.

Labcorp Genetics (formerly Invitae), Labcorp
Classification: Uncertain significance for Hereditary pheochromocytoma and paraganglioma. Last evaluated: 2023-12-30. Review status: criteria provided, single submitter. Criteria: Invitae Variant Classification Sherloc (09022015). Collection method: clinical testing. Allele origin: germline.
Comment: This sequence change replaces alanine, which is neutral and non-polar, with aspartic acid, which is acidic and polar, at codon 47 of the TMEM127 protein (p.Ala47Asp). This variant is not present in population databases (gnomAD no frequency). This missense change has been observed in individual(s) with bilateral pheochromocytoma (PMID: 20923864). ClinVar contains an entry for this variant (Variation ID: 863062). An algorithm developed to predict the effect of missense changes on protein structure and function (PolyPhen-2) suggests that this variant is likely to be tolerated. Experimental studies have shown that this missense change affects TMEM127 function (PMID: 32575117). In summary, the available evidence is currently insufficient to determine the role of this variant in disease. Therefore, it has been classified as a Variant of Uncertain Significance.

Literature cited by the submitters: PubMed 20923864 (cited by Ambry Genetics and Labcorp Genetics (formerly Invitae), Labcorp); PubMed 22419703 (cited by Ambry Genetics); PubMed 22517557 (cited by Ambry Genetics); PubMed 32575117 (cited by Labcorp Genetics (formerly Invitae), Labcorp).